The following is an entry in ClinVar:

ClinVar aggregate classification (germline): Likely pathogenic (1 of 4 stars; one submission).

Conditions:
Neuromuscular disease caused by qualitative or quantitative defects of dystrophin. Also called: Qualitative or quantitative defects of dystrophin. Identifiers: Orphanet 207085, MedGen C5679787, MONDO:0016147.

Submission:

Women's Health and Genetics/Laboratory Corporation of America, LabCorp
Classification: Likely pathogenic for Neuromuscular disease caused by qualitative or quantitative defects of dystrophin. Last evaluated: 2025-07-29. Review status: criteria provided, single submitter. Criteria: LabCorp Variant Classification Summary - May 2015. Collection method: clinical testing. Allele origin: germline.
Comment: Variant summary: The variant involves the deletion of exons 31-33 in the DMD gene. A presumed nomenclature of c.(4233+1_4234-1)_(4674+1_4675-1)del has been designated for the purposes of this classification. This Copy Number Variant (CNV) is predicted to result in an in-frame deletion within this gene. The variant was absent in 16116 control chromosomes (gnomAD, structural variants dataset). To our knowledge, no occurrence of c.(4233+1_4234-1)_(4674+1_4675-1)del in individuals affected with Dystrophinopathies and no experimental evidence demonstrating its impact on protein function have been reported. However, smaller in-frame deletions involving exon 32 (alone and together with exon 33) have been reported in affected individuals (PMIDs: 17253928 19084397, 36361501), suggesting this region is important for protein function. ClinVar contains an entry for this variant (Variation ID: 1460067). Based on the evidence outlined above, the variant was classified as likely pathogenic.

NC_000023.10:g.(32398798_32404426)_(32408299_32429868)del

Gene: DMD (dystrophin; minus strand). Cytogenetic location: Xp21.1.
Variant type: Deletion.
Identifiers: ClinVar variation 4526134 (VCV004526134.1).